The following is an entry in ClinVar:

NM_020347.4(LZTFL1):c.104G>T (p.Cys35Phe)

Gene: LZTFL1 (leucine zipper transcription factor like 1; minus strand). Cytogenetic location: 3p21.31.
Variant type: single nucleotide variant.
Coding change: c.104G>T on transcript NM_020347.4 (MANE Select); coding-DNA position 104, G replaced by T.
Protein change: p.Cys35Phe; replaces cysteine 35 with phenylalanine.
Molecular consequence: missense variant. On other transcripts: intron variant (1).
Genome position (GRCh38, 1-based): chr3:45,837,951, C>A on the plus strand (G>T on the coding strand, the complement: LZTFL1 is on the minus strand). VCF-style: chr3-45837951-C-A. GRCh37 (hg19) VCF-style: chr3-45879443-C-A.
Other names: c.53G>T, p.Cys18Phe (NM_001276378.2, NM_001386451.1); c.104G>T, p.Cys35Phe (NM_001386452.1); c.117-2167G>T (NM_001276379.2); short protein forms C18F, C35F.
Identifiers: ClinVar variation 965119 (VCV000965119.6), dbSNP rs1701007492, ClinGen allele CA352455104.

ClinVar aggregate classification (germline): Uncertain significance (1 of 4 stars; one submission).

gnomAD v4.1: 1 of 1,612,906 alleles (0.000062%); highest among the groups gnomAD compares: Admixed American, 0.0017%; no homozygotes.

Submission:

Labcorp Genetics (formerly Invitae), Labcorp
Classification: Uncertain significance. Last evaluated: 2022-07-11. Review status: criteria provided, single submitter. Criteria: Invitae Variant Classification Sherloc (09022015). Collection method: clinical testing. Allele origin: germline.
Comment: This variant has not been reported in the literature in individuals affected with LZTFL1-related conditions. ClinVar contains an entry for this variant (Variation ID: 965119). Algorithms developed to predict the effect of missense changes on protein structure and function (SIFT, PolyPhen-2, Align-GVGD) all suggest that this variant is likely to be disruptive. In summary, the available evidence is currently insufficient to determine the role of this variant in disease. Therefore, it has been classified as a Variant of Uncertain Significance. This sequence change replaces cysteine, which is neutral and slightly polar, with phenylalanine, which is neutral and non-polar, at codon 35 of the LZTFL1 protein (p.Cys35Phe). This variant is not present in population databases (gnomAD no frequency).